The following is an entry in ClinVar:

NM_000179.3(MSH6):c.1675T>C (p.Cys559Arg)

Gene: MSH6 (mutS homolog 6; plus strand). Cytogenetic location: 2p16.3.
Variant type: single nucleotide variant.
Coding change: c.1675T>C on transcript NM_000179.3 (MANE Select); coding-DNA position 1675, T replaced by C.
Protein change: p.Cys559Arg; replaces cysteine 559 with arginine.
Molecular consequence: missense variant.
Genome position (GRCh38, 1-based): chr2:47,799,658, T>C. VCF-style: chr2-47799658-T-C. GRCh37 (hg19) VCF-style: chr2-48026797-T-C.
Other names: c.1285T>C, p.Cys429Arg (NM_001281492.2); c.769T>C, p.Cys257Arg (NM_001281493.2, NM_001281494.2); short protein forms C559R, C257R, C429R.
Identifiers: ClinVar variation 619538 (VCV000619538.16), dbSNP rs1558662565, ClinGen allele CA346747430.
Genomic context (GRCh38, chr2:47,799,658, plus strand): 5'-CTTCTTAGCCTCAAAGAAAAAGAGGAAGATTCTTCTGGCCATACTCGTGCATATGGTGTG[T>C]GCTTTGTTGATACTTCACTGGGAAAGTTTTTCATAGGTCAGTTTTCAGATGATCGCCATT-3'
Protein context (NP_000170.1, residues 549-569): SSGHTRAYGV[Cys559Arg]FVDTSLGKFF

ClinVar aggregate classification (germline): Uncertain significance. Review status: criteria provided, multiple submitters, no conflicts (2 of 4 stars). 4 submissions from 4 submitters: Uncertain significance (4). Last evaluated 2026-06-24.

Conditions:
MSH6-related disorder. Also called: MSH6-related condition; MSH6-Related disorders.
Hereditary nonpolyposis colorectal neoplasms. Identifiers: MedGen C0009405, MeSH D003123.
Hereditary cancer-predisposing syndrome. Also called: Neoplastic Syndromes, Hereditary; Tumor predisposition; Hereditary neoplastic syndrome; Hereditary Cancer Syndrome. Identifiers: Orphanet 140162, MedGen C0027672, MeSH D009386, MONDO:0015356.
Lynch syndrome. Identifiers: Orphanet 144, MedGen C4552100, MONDO:0005835. Disease mechanism: loss of function.

Submissions (4):

PreventionGenetics, part of Exact Sciences
Classification: Uncertain significance for MSH6-related condition. Last evaluated: 2026-06-24. Review status: criteria provided, single submitter. Criteria: ACMG Guidelines, 2015. Collection method: clinical testing. Allele origin: germline.
Comment: The MSH6 c.1675T>C variant is predicted to result in the amino acid substitution p.Cys559Arg. To our knowledge, this variant has not been reported in the literature or in a large population database (gnomAD), indicating this variant is rare. This variant is interpreted as uncertain in ClinVar (Variation ID: 619538). At this time, the clinical significance of this variant is uncertain due to the absence of conclusive functional and genetic evidence.

Labcorp Genetics (formerly Invitae), Labcorp
Classification: Uncertain significance for Hereditary nonpolyposis colorectal neoplasms. Last evaluated: 2020-08-28. Review status: criteria provided, single submitter. Criteria: Invitae Variant Classification Sherloc (09022015). Collection method: clinical testing. Allele origin: germline.
Comment: In summary, the available evidence is currently insufficient to determine the role of this variant in disease. Therefore, it has been classified as a Variant of Uncertain Significance. Algorithms developed to predict the effect of missense changes on protein structure and function are either unavailable or do not agree on the potential impact of this missense change (SIFT: "Deleterious"; PolyPhen-2: "Probably Damaging"; Align-GVGD: "Class C15"). This variant has not been reported in the literature in individuals with MSH6-related conditions. ClinVar contains an entry for this variant (Variation ID: 619538). This variant is not present in population databases (ExAC no frequency). This sequence change replaces cysteine with arginine at codon 559 of the MSH6 protein (p.Cys559Arg). The cysteine residue is highly conserved and there is a large physicochemical difference between cysteine and arginine.

Ambry Genetics
Classification: Uncertain significance for Hereditary cancer-predisposing syndrome. Last evaluated: 2020-08-20. Review status: criteria provided, single submitter. Criteria: Ambry Variant Classification Scheme 2023. Collection method: clinical testing. Allele origin: germline.
Comment: The p.C559R variant (also known as c.1675T>C), located in coding exon 4 of the MSH6 gene, results from a T to C substitution at nucleotide position 1675. The cysteine at codon 559 is replaced by arginine, an amino acid with highly dissimilar properties. This amino acid position is well conserved in available vertebrate species. In addition, this alteration is predicted to be deleterious by in silico analysis. Since supporting evidence is limited at this time, the clinical significance of this alteration remains unclear.

University of Washington Department of Laboratory Medicine, University of Washington
Classification: Uncertain significance for Lynch syndrome. Last evaluated: 2018-05-01. Review status: criteria provided, single submitter. Criteria: Shirts BH et al. (Am J Hum Genet 2018). Collection method: clinical testing. Allele origin: somatic. Affected: yes.
Comment: MSH6 NM_000179.2:c.1675T>C has a 70.0% probability of pathogenicity based on combining prior probability from public data with a likelihood ratio of 1.56 to 1, generated from evidence of seeing this as a somatic mutation in a tumor without loss of heterozygosity at the MSH6 locus. See Shirts et al 2018, PMID 29887214.